The following is an entry in ClinVar:

ClinVar aggregate classification (germline): Uncertain significance. Review status: criteria provided, multiple submitters, no conflicts (2 of 4 stars). 4 submissions from 4 submitters: Uncertain significance (3). 1 of the submissions does not count toward it. Last evaluated 2026-01-04.

Conditions:
PRKAR1A-related disorder. Also called: PRKAR1A-related condition.
Hereditary cancer-predisposing syndrome. Also called: Hereditary Cancer Syndrome; Hereditary neoplastic syndrome; Tumor predisposition; Neoplastic Syndromes, Hereditary. Identifiers: Orphanet 140162, MedGen C0027672, MeSH D009386, MONDO:0015356.
Carney complex, type 1 (CNC1). Also called: CARNEY COMPLEX, TYPE I; CARNEY MYXOMA-ENDOCRINE COMPLEX. Identifiers: Orphanet 1359, MedGen C2607929, MONDO:0008057, OMIM 160980.

Allele frequency attached by ClinVar (database versions not stated): TOPMed 0.00002.
gnomAD v4.1: 5 of 1,613,984 alleles (0.00031%); highest among the groups gnomAD compares: African/African-American, 0.0053%; no homozygotes.

Submissions (4):

Labcorp Genetics (formerly Invitae), Labcorp
Classification: Uncertain significance for Carney complex, type 1. Last evaluated: 2026-01-04. Review status: criteria provided, single submitter. Criteria: Invitae Variant Classification Sherloc (09022015). Collection method: clinical testing. Allele origin: germline.
Comment: This sequence change replaces threonine, which is neutral and polar, with isoleucine, which is neutral and non-polar, at codon 73 of the PRKAR1A protein (p.Thr73Ile). This variant is present in population databases (no rsID available, gnomAD 0.007%). This variant has not been reported in the literature in individuals affected with PRKAR1A-related conditions. ClinVar contains an entry for this variant (Variation ID: 842323). Invitae Evidence Modeling of protein sequence and biophysical properties (such as structural, functional, and spatial information, amino acid conservation, physicochemical variation, residue mobility, and thermodynamic stability) indicates that this missense variant is not expected to disrupt PRKAR1A protein function with a negative predictive value of 95%. In summary, the available evidence is currently insufficient to determine the role of this variant in disease. Therefore, it has been classified as a Variant of Uncertain Significance.

Ambry Genetics
Classification: Uncertain significance for Hereditary cancer-predisposing syndrome. Last evaluated: 2024-05-28. Review status: criteria provided, single submitter. Criteria: Ambry Variant Classification Scheme 2023. Collection method: clinical testing. Allele origin: germline.
Comment: The p.T73I variant (also known as c.218C>T), located in coding exon 2 of the PRKAR1A gene, results from a C to T substitution at nucleotide position 218. The threonine at codon 73 is replaced by isoleucine, an amino acid with similar properties. This amino acid position is conserved. In addition, this alteration is predicted to be tolerated by in silico analysis. Since supporting evidence is limited at this time, the clinical significance of this alteration remains unclear.

Sema4
Classification: Uncertain significance for Hereditary cancer-predisposing syndrome. Last evaluated: 2022-02-23. Review status: criteria provided, single submitter. Criteria: Sema4 Curation Guidelines. Collection method: curation. Allele origin: germline.
Comment: The PRKAR1A c.218C>T (p.T73I) variant has not been reported in the literature to our knowledge. It was observed in 2/251274 chromosomes across all populations, in the large and broad cohorts of the Genome Aggregation Database (PMID: 32461654). This variant has been reported in ClinVar (Variation ID: 842323). In silico tools suggest the impact of the variant on protein function is benign, though these predictions have not been confirmed by functional studies. The evidence is insufficient to meet ACMG/AMP criteria for classifying the variant as benign or pathogenic. Thus, the clinical significance of this variant is currently uncertain.

PreventionGenetics, part of Exact Sciences
Classification: Uncertain significance for PRKAR1A-related condition. Last evaluated: 2024-07-29. Review status: no assertion criteria provided. Collection method: clinical testing. Allele origin: germline. Not counted in ClinVar's aggregate classification.
Comment: The PRKAR1A c.218C>T variant is predicted to result in the amino acid substitution p.Thr73Ile. To our knowledge, this variant has not been reported in the literature. This variant is reported in 0.0062% of alleles in individuals of African descent in gnomAD and is interpreted as a variant of uncertain significance in ClinVar. At this time, the clinical significance of this variant is uncertain due to the absence of conclusive functional and genetic evidence.

NM_002734.5(PRKAR1A):c.218C>T (p.Thr73Ile)

Gene: PRKAR1A (protein kinase cAMP-dependent type I regulatory subunit alpha; plus strand). Cytogenetic location: 17q24.2.
Variant type: single nucleotide variant.
Coding change: c.218C>T on transcript NM_002734.5 (MANE Select); coding-DNA position 218, C replaced by T.
Protein change: p.Thr73Ile; replaces threonine 73 with isoleucine.
Molecular consequence: missense variant.
Genome position (GRCh38, 1-based): chr17:68,522,796, C>T. VCF-style: chr17-68522796-C-T. GRCh37 (hg19) VCF-style: chr17-66518937-C-T.
Other names: c.218C>T, p.Thr73Ile (NM_001276289.2, NM_001276290.1, NM_001278433.2 and 4 more transcripts); short protein forms T73I.
Identifiers: ClinVar variation 842323 (VCV000842323.12), dbSNP rs769706055, ClinGen allele CA400752245.
Genomic context (GRCh38, chr17:68,522,796, plus strand): 5'-AAACTCGTAATTTCTTTCAGGAGGAGGCAAAACAGATTCAGAATCTGCAGAAAGCAGGCA[C>T]TCGTACAGACTCAAGGGAGGATGAGATTTCTCCTCCTCCACCCAACCCAGTGGTTAAAGG-3'
Protein context (NP_002725.1, residues 63-83): KQIQNLQKAG[Thr73Ile]RTDSREDEIS